The following is an entry in ClinVar:

NM_006031.6(PCNT):c.3550G>A (p.Gly1184Arg)

Gene: PCNT (pericentrin; plus strand). Cytogenetic location: 21q22.3.
Variant type: single nucleotide variant.
Coding change: c.3550G>A on transcript NM_006031.6 (MANE Select); coding-DNA position 3550, G replaced by A.
Protein change: p.Gly1184Arg; replaces glycine 1184 with arginine.
Molecular consequence: missense variant.
Genome position (GRCh38, 1-based): chr21:46,388,827, G>A. VCF-style: chr21-46388827-G-A. GRCh37 (hg19) VCF-style: chr21-47808742-G-A.
Other names: c.3196G>A, p.Gly1066Arg (NM_001315529.2); short protein forms G1184R, G1066R.
Identifiers: ClinVar variation 211854 (VCV000211854.9), dbSNP rs752738005, ClinGen allele CA205498.

ClinVar aggregate classification (germline): Uncertain significance. Review status: criteria provided, multiple submitters, no conflicts (2 of 4 stars). 2 submissions from 2 submitters: Uncertain significance (2). Last evaluated 2024-05-16.

Allele frequency attached by ClinVar (database versions not stated): TOPMed below 0.00001.

Submissions (2):

Labcorp Genetics (formerly Invitae), Labcorp
Classification: Uncertain significance. Last evaluated: 2024-05-16. Review status: criteria provided, single submitter. Criteria: Invitae Variant Classification Sherloc (09022015). Collection method: clinical testing. Allele origin: germline.
Comment: This sequence change replaces glycine, which is neutral and non-polar, with arginine, which is basic and polar, at codon 1184 of the PCNT protein (p.Gly1184Arg). This variant is present in population databases (rs752738005, gnomAD 0.006%). This variant has not been reported in the literature in individuals affected with PCNT-related conditions. ClinVar contains an entry for this variant (Variation ID: 211854). An algorithm developed to predict the effect of missense changes on protein structure and function (PolyPhen-2) suggests that this variant is likely to be disruptive. In summary, the available evidence is currently insufficient to determine the role of this variant in disease. Therefore, it has been classified as a Variant of Uncertain Significance.

Genetic Services Laboratory, University of Chicago
Classification: Uncertain significance. Last evaluated: 2015-05-04. Review status: criteria provided, single submitter. Criteria: ACMG Guidelines, 2015. Collection method: clinical testing. Allele origin: germline.